The following is an entry in ClinVar:

ClinVar aggregate classification (germline): Benign. Review status: criteria provided, multiple submitters, no conflicts (2 of 4 stars). 2 submissions from 2 submitters: Benign (2). Last evaluated 2018-01-13.

Conditions:
Pseudohypoaldosteronism type 2E (PHA2E). Also called: Pseudohypoaldosteronism Type IIE. Identifiers: Orphanet 300530, Orphanet 757, MedGen C3469606, MONDO:0013782, OMIM 614496.

Allele frequency attached by ClinVar (database versions not stated): gnomAD 0.29898 and 0.30037; TOPMed 0.30270; 1000 Genomes Project 30x 0.30387; 1000 Genomes Project 0.30791; gnomAD exomes 0.33299.
gnomAD v4.1: 67,859 of 218,334 alleles (31%); highest among the groups gnomAD compares: Middle Eastern, 39%; 10,928 homozygotes.

Submissions (2):

Illumina Laboratory Services, Illumina
Classification: Benign for Pseudohypoaldosteronism type 2E. Last evaluated: 2018-01-13. Review status: criteria provided, single submitter. Criteria: ICSL Variant Classification Criteria 13 December 2019. Collection method: clinical testing. Allele origin: germline.
Comment: This variant was observed in the ICSL laboratory as part of a predisposition screen in an ostensibly healthy population. It had not been previously curated by ICSL or reported in the Human Gene Mutation Database (HGMD: prior to June 1st, 2018), and was therefore a candidate for classification through an automated scoring system. Utilizing variant allele frequency, disease prevalence and penetrance estimates, and inheritance mode, an automated score was calculated to assess if this variant is too frequent to cause the disease. Based on the score and internal cut-off values, a variant classified as benign is not then subjected to further curation. The score for this variant resulted in a classification of benign for this disease.

Breakthrough Genomics
Classification: Benign. Review status: criteria provided, single submitter. Criteria: ACMG Guidelines, 2015. Collection method: not provided. Allele origin: germline. Inheritance: Autosomal dominant inheritance. Affected: yes.

NM_003590.5(CUL3):c.*3991A>G

Gene: CUL3 (cullin 3; minus strand). Cytogenetic location: 2q36.2.
Variant type: single nucleotide variant.
Coding change: c.*3991A>G on transcript NM_003590.5 (MANE Select); 3991 bases downstream of the stop codon, A replaced by G.
Molecular consequence: 3 prime UTR variant.
Genome position (GRCh38, 1-based): chr2:224,470,254, T>C on the plus strand (A>G on the coding strand, the complement: CUL3 is on the minus strand). VCF-style: chr2-224470254-T-C. GRCh37 (hg19) VCF-style: chr2-225334971-T-C.
Other names: c.*3991A>G (NM_001257197.2, NM_001257198.2).
Identifiers: ClinVar variation 334569 (VCV000334569.7), dbSNP rs12470077, ClinGen allele CA10614349.
Genomic context (GRCh38, chr2:224,470,254, plus strand): 5'-TGTATGCAATAAAGTTTATTAGTTGAACTGTCCTGTTATTAAAATCTTGAAATTTGACAA[T>C]TTCATTGTTACTAAAAAATACACGTTTACTTTGAGCTGCTCATGTATAATTTTAAAGCTA-3'